The following is an entry in ClinVar:

NM_004260.4(RECQL4):c.1717C>T (p.Gln573Ter)

Gene: RECQL4 (RecQ like helicase 4; minus strand). Cytogenetic location: 8q24.3.
Variant type: single nucleotide variant.
Coding change: c.1717C>T on transcript NM_004260.4 (MANE Select); coding-DNA position 1717, C replaced by T.
Protein change: p.Gln573Ter; replaces glutamine 573 with a stop codon.
Molecular consequence: nonsense.
Genome position (GRCh38, 1-based): chr8:144,514,350, G>A on the plus strand (C>T on the coding strand, the complement: RECQL4 is on the minus strand). VCF-style: chr8-144514350-G-A. GRCh37 (hg19) VCF-style: chr8-145739734-G-A.
Other names: short protein forms Q573*.
Identifiers: ClinVar variation 620609 (VCV000620609.8), dbSNP rs1483085748, ClinGen allele CA372681264.
Genomic context (GRCh38, chr8:144,514,350, plus strand): 5'-CTGGAGGGAGGCCTCCCGCCCCCACCAGTGCCTCAGGTGTCAGCATCAGCACGTGTACCT[G>A]GGCTGCCCGAATCTGAAGGCAGCAAGATCAGAGGCACAGCCCAGGTGCCCGCCCGCTGCC-3'

ClinVar aggregate classification (germline): Pathogenic/Likely pathogenic. Review status: criteria provided, multiple submitters, no conflicts (2 of 4 stars). 2 submissions from 2 submitters: Pathogenic (1); Likely pathogenic (1). Last evaluated 2023-08-02.

Conditions:
Malignant fibrous histiocytoma. Also called: Malignant fibrohistiocytic tumors; Undifferentiated pleomorphic sarcoma. Identifiers: Orphanet 2023, MedGen C0334463, MONDO:0002142.
Baller-Gerold syndrome (BGS). Also called: CRANIOSYNOSTOSIS WITH RADIAL DEFECTS. Identifiers: Orphanet 1225, MedGen C0265308, MONDO:0009039, OMIM 218600.

Allele frequency attached by ClinVar (database versions not stated): gnomAD exomes below 0.00001; TOPMed 0.00001; gnomAD 0.00003.
gnomAD v4.1: 1 of 1,602,492 alleles (0.000062%); highest among the groups gnomAD compares: African/African-American, 0.0013%; no homozygotes.

Submissions (2):

Labcorp Genetics (formerly Invitae), Labcorp
Classification: Pathogenic for Baller-Gerold syndrome. Last evaluated: 2023-08-02. Review status: criteria provided, single submitter. Criteria: Invitae Variant Classification Sherloc (09022015). Collection method: clinical testing. Allele origin: germline.
Comment: For these reasons, this variant has been classified as Pathogenic. ClinVar contains an entry for this variant (Variation ID: 620609). This premature translational stop signal has been observed in individual(s) with spindle cell sarcoma (PMID: 31604778). This variant is present in population databases (no rsID available, gnomAD 0.01%). This sequence change creates a premature translational stop signal (p.Gln573*) in the RECQL4 gene. It is expected to result in an absent or disrupted protein product. Loss-of-function variants in RECQL4 are known to be pathogenic (PMID: 12734318, 12952869).

St. Jude Molecular Pathology, St. Jude Children's Research Hospital
Classification: Likely pathogenic for Undifferentiated Pleomorphic Sarcoma. Last evaluated: 2016-06-17. Review status: criteria provided, single submitter. Criteria: ACMG Guidelines, 2015. Collection method: clinical testing. Allele origin: germline. Affected: yes.

Literature cited by the submitters: PubMed 31604778 (cited by Labcorp Genetics (formerly Invitae), Labcorp); PubMed 12734318 (cited by Labcorp Genetics (formerly Invitae), Labcorp); PubMed 12952869 (cited by Labcorp Genetics (formerly Invitae), Labcorp).